The following is an entry in ClinVar:

NM_001366385.1(CARD14):c.3011G>A (p.Arg1004Gln)

Genes: CARD14 (caspase recruitment domain family member 14; plus strand), SGSH (N-sulfoglucosamine sulfohydrolase; minus strand). Cytogenetic location: 17q25.3.
Variant type: single nucleotide variant.
Coding change: c.3011G>A on transcript NM_001366385.1 (MANE Select); coding-DNA position 3011, G replaced by A.
Protein change: p.Arg1004Gln; replaces arginine 1004 with glutamine.
Molecular consequence: missense variant. On other transcripts: non-coding transcript variant (1).
Genome position (GRCh38, 1-based): chr17:80,208,341, G>A. VCF-style: chr17-80208341-G-A. GRCh37 (hg19) VCF-style: chr17-78182140-G-A.
Other names: c.3011G>A, p.Arg1004Gln (NM_024110.4); short protein forms R1004Q.
Identifiers: ClinVar variation 1047570 (VCV001047570.9), dbSNP rs370758101, ClinGen allele CA8817537.
Genomic context (GRCh38, chr17:80,208,341, plus strand): 5'-GTGTCCGCCAGGCCATCGCCGACGAGCAGAAGAAGGTGGTGTGGACGGAGCAGAGCCCCC[G>A]ATGATGCACCGTGCCCCTTCCCGGGACTGTGGGGGCTTCTGTGTGCCTGTTAATGCAGTC-3'
Protein context (NP_001353314.1, residues 994-1004): KKVVWTEQSP[Arg1004Gln]

ClinVar aggregate classification (germline): Uncertain significance (1 of 4 stars; one submission).

Conditions:
Psoriasis 2. Identifiers: MedGen C1864497, MONDO:0011269, OMIM 602723.
Pityriasis rubra pilaris (PRP). Also called: Pityriasis rubra pilaris--familial type. Identifiers: Orphanet 2897, MedGen C0032027, MONDO:0100017, OMIM 173200, MONDO:0008251.

Allele frequency attached by ClinVar (database versions not stated): gnomAD exomes 0.00002; ExAC 0.00003; gnomAD 0.00003 and 0.00004; TOPMed 0.00003.
gnomAD v4.1: 40 of 1,593,168 alleles (0.0025%); highest among the groups gnomAD compares: Admixed American, 0.0069%; no homozygotes.

Submission:

Labcorp Genetics (formerly Invitae), Labcorp
Classification: Uncertain significance for Pityriasis rubra pilaris; Psoriasis 2. Last evaluated: 2024-02-17. Review status: criteria provided, single submitter. Criteria: Invitae Variant Classification Sherloc (09022015). Collection method: clinical testing. Allele origin: germline.
Comment: This sequence change replaces arginine, which is basic and polar, with glutamine, which is neutral and polar, at codon 1004 of the CARD14 protein (p.Arg1004Gln). This variant is present in population databases (rs370758101, gnomAD 0.004%). This variant has not been reported in the literature in individuals affected with CARD14-related conditions. ClinVar contains an entry for this variant (Variation ID: 1047570). Algorithms developed to predict the effect of missense changes on protein structure and function output the following: SIFT: "Not Available"; PolyPhen-2: "Benign"; Align-GVGD: "Not Available". The glutamine amino acid residue is found in multiple mammalian species, which suggests that this missense change does not adversely affect protein function. In summary, the available evidence is currently insufficient to determine the role of this variant in disease. Therefore, it has been classified as a Variant of Uncertain Significance.